The following is an entry in ClinVar:

NM_020911.2(PLXNA4):c.3158+7G>T

Gene: PLXNA4 (plexin A4; minus strand). Cytogenetic location: 7q32.3.
Variant type: single nucleotide variant.
Coding change: c.3158+7G>T on transcript NM_020911.2 (MANE Select); 7 bases into the intron after coding-DNA position 3158, G replaced by T.
Molecular consequence: intron variant.
Genome position (GRCh38, 1-based): chr7:132,185,292, C>A on the plus strand (G>T on the coding strand, the complement: PLXNA4 is on the minus strand). VCF-style: chr7-132185292-C-A. GRCh37 (hg19) VCF-style: chr7-131870051-C-A.
Other names: c.3158+7G>T (NM_001393897.1).
Identifiers: ClinVar variation 4999847 (VCV004999847.1).

ClinVar aggregate classification (germline): Likely benign (1 of 4 stars; one submission).

Conditions:
PLXNA4-related disorder. Also called: PLXNA4-related condition.

Submission:

PreventionGenetics, part of Exact Sciences
Classification: Likely benign for PLXNA4-related condition. Last evaluated: 2024-12-26. Review status: criteria provided, single submitter. Criteria: ACMG Guidelines, 2015. Collection method: clinical testing. Allele origin: germline.
Comment: This variant is classified as likely benign based on ACMG/AMP sequence variant interpretation guidelines (Richards et al. 2015 PMID: 25741868, with internal and published modifications).